The following is an entry in ClinVar:

NM_000384.3(APOB):c.6617T>C (p.Ile2206Thr)

Gene: APOB (apolipoprotein B; minus strand). Cytogenetic location: 2p24.1.
Variant type: single nucleotide variant.
Coding change: c.6617T>C on transcript NM_000384.3 (MANE Select); coding-DNA position 6617, T replaced by C.
Protein change: p.Ile2206Thr; replaces isoleucine 2206 with threonine.
Molecular consequence: missense variant.
Genome position (GRCh38, 1-based): chr2:21,010,251, A>G on the plus strand (T>C on the coding strand, the complement: APOB is on the minus strand). VCF-style: chr2-21010251-A-G. GRCh37 (hg19) VCF-style: chr2-21233123-A-G.
Other names: short protein forms I2206T.
Identifiers: ClinVar variation 3885839 (VCV003885839.3), dbSNP rs1663269401.

ClinVar aggregate classification (germline): Uncertain significance. Review status: criteria provided, multiple submitters, no conflicts (2 of 4 stars). 2 submissions from 2 submitters: Uncertain significance (2). Last evaluated 2026-09-11.

Conditions:
Hypercholesterolemia, autosomal dominant, type B (FHCL2). Also called: Familial Hypercholesterolemia Type B; APOLIPOPROTEIN B-100, FAMILIAL DEFECTIVE; APOLIPOPROTEIN B-100, FAMILIAL LIGAND-DEFECTIVE; HYPERCHOLESTEROLEMIA, FAMILIAL, DUE TO LIGAND-DEFECTIVE APOLIPOPROTEIN B; Hyperlipoproteinemia Type IIb; Familial hypercholesterolemia 2. Identifiers: MedGen C1704417, MONDO:0007751, OMIM 144010.
Familial hypobetalipoproteinemia 1. Also called: APOB-Related Familial Hypobetalipoproteinemia; Hypobetalipoproteinemia, normotriglyceridemic; Acanthocytosis with hypobetalipoproteinemia. Identifiers: MedGen C4551990, MONDO:0014252, OMIM 615558.
Cardiovascular phenotype. Identifiers: MedGen CN230736.

gnomAD v4.1: 1 of 1,557,918 alleles (0.000064%); highest among the groups gnomAD compares: Non-Finnish European, 0.000087%; no homozygotes.

Submissions (2):

Ambry Genetics
Classification: Uncertain significance for Cardiovascular phenotype. Last evaluated: 2026-09-11. Review status: criteria provided, single submitter. Criteria: Ambry Variant Classification Scheme 2023. Collection method: clinical testing. Allele origin: germline.
Comment: The p.I2206T variant (also known as c.6617T>C), located in coding exon 26 of the APOB gene, results from a T to C substitution at nucleotide position 6617. The isoleucine at codon 2206 is replaced by threonine, an amino acid with similar properties. This amino acid position is conserved. In addition, this alteration is predicted to be tolerated by in silico analysis. Based on the available evidence, the clinical significance of this variant remains unclear.

Labcorp Genetics (formerly Invitae), Labcorp
Classification: Uncertain significance for Familial hypobetalipoproteinemia 1; Hypercholesterolemia, autosomal dominant, type B. Last evaluated: 2025-10-01. Review status: criteria provided, single submitter. Criteria: Invitae Variant Classification Sherloc (09022015). Collection method: clinical testing. Allele origin: germline.
Comment: This sequence change replaces isoleucine, which is neutral and non-polar, with threonine, which is neutral and polar, at codon 2206 of the APOB protein (p.Ile2206Thr). This variant is not present in population databases (gnomAD no frequency). This variant has not been reported in the literature in individuals affected with APOB-related conditions. ClinVar contains an entry for this variant (Variation ID: 3885839). Invitae Evidence Modeling of protein sequence and biophysical properties (such as structural, functional, and spatial information, amino acid conservation, physicochemical variation, residue mobility, and thermodynamic stability) indicates that this missense variant is not expected to disrupt APOB protein function with a negative predictive value of 95%. In summary, the available evidence is currently insufficient to determine the role of this variant in disease. Therefore, it has been classified as a Variant of Uncertain Significance.